The following is an entry in ClinVar:

ClinVar aggregate classification (germline): Benign. Review status: criteria provided, multiple submitters, no conflicts (2 of 4 stars). 3 submissions from 3 submitters: Benign (3). Last evaluated 2024-07-15.

Allele frequency attached by ClinVar (database versions not stated): 1000 Genomes Project 30x 0.23938; 1000 Genomes Project 0.24301; gnomAD 0.24897 and 0.25007; TOPMed 0.25414; ESP Exome Variant Server 0.26829.
gnomAD v4.1: 449,711 of 1,570,176 alleles (29%); highest among the groups gnomAD compares: Middle Eastern, 35%; 66,668 homozygotes.

Submissions (3):

Unidad de Genómica Garrahan, Hospital de Pediatría Garrahan
Classification: Benign. Last evaluated: 2024-07-15. Review status: criteria provided, single submitter. Criteria: ACMG Guidelines, 2015. Collection method: clinical testing. Allele origin: germline. Affected: no. Observed: 47 variant alleles.
Comment: This variant is classified as Benign based on local population frequency. This variant was detected in 51% of patients studied in a panel designed for Epileptic and Developmental Encephalopathy and Progressive Myoclonus Epilepsy. Number of patients: 47. Only high quality variants are reported.

GeneDx
Classification: Benign. Last evaluated: 2018-06-14. Review status: criteria provided, single submitter. Criteria: GeneDx Variant Classification (06012015). Collection method: clinical testing. Allele origin: germline. Affected: yes.
Comment: This variant is considered likely benign or benign based on one or more of the following criteria: it is a conservative change, it occurs at a poorly conserved position in the protein, it is predicted to be benign by multiple in silico algorithms, and/or has population frequency not consistent with disease.

Breakthrough Genomics
Classification: Benign. Review status: criteria provided, single submitter. Criteria: ACMG Guidelines, 2015. Collection method: not provided. Allele origin: germline. Inheritance: Autosomal dominant inheritance. Affected: yes.

NM_020822.3(KCNT1):c.435-67C>T

Gene: KCNT1 (potassium sodium-activated channel subfamily T member 1; plus strand). Cytogenetic location: 9q34.3.
Variant type: single nucleotide variant.
Coding change: c.435-67C>T on transcript NM_020822.3 (MANE Select); 67 bases into the intron before coding-DNA position 435, C replaced by T.
Molecular consequence: intron variant.
Genome position (GRCh38, 1-based): chr9:135,753,870, C>T. VCF-style: chr9-135753870-C-T. GRCh37 (hg19) VCF-style: chr9-138645716-C-T.
Other names: c.291-67C>T (NM_001272003.2).
Identifiers: ClinVar variation 682078 (VCV000682078.4), dbSNP rs12378616, ClinGen allele CA13091919.